The following is an entry in ClinVar:

ClinVar aggregate classification (germline): Conflicting classifications of pathogenicity. Review status: criteria provided, conflicting classifications (1 of 4 stars). 5 submissions from 3 submitters: Uncertain significance (3); Likely benign (2). Last evaluated 2023-02-08.

Conditions:
Familial Mediterranean fever, autosomal dominant. Also called: Dominant Familial Mediterranean Fever; FMF, AUTOSOMAL DOMINANT. Identifiers: Orphanet 342, MedGen C1851347, MONDO:0007601, OMIM 134610.
Acute febrile neutrophilic dermatosis (AFND). Also called: Sweet Syndrome; Gomm Button disease. Identifiers: Orphanet 3243, MedGen C0085077, MONDO:0011959, OMIM 608068.
Familial Mediterranean fever (FMF). Also called: Periodic peritonitis; Benign paroxysmal peritonitis; POLYSEROSITIS, FAMILIAL PAROXYSMAL; POLYSEROSITIS, RECURRENT. Identifiers: Orphanet 342, MedGen C0031069, MONDO:0018088, OMIM 249100. Disease mechanism: gain of function.

Allele frequency attached by ClinVar (database versions not stated): gnomAD 0.00001; TOPMed below 0.00001.
gnomAD v4.1: 3 of 1,613,102 alleles (0.00019%); highest among the groups gnomAD compares: Non-Finnish European, 0.00025%; no homozygotes.

Submissions (5):

Genome-Nilou Lab
Classification: Uncertain significance for Familial Mediterranean fever. Last evaluated: 2023-02-08. Review status: criteria provided, single submitter. Criteria: ACMG Guidelines, 2015. Collection method: clinical testing. Allele origin: germline.

Genome-Nilou Lab
Classification: Likely benign for Familial Mediterranean fever, autosomal dominant. Last evaluated: 2023-02-08. Review status: criteria provided, single submitter. Criteria: ACMG Guidelines, 2015. Collection method: clinical testing. Allele origin: germline.

Genome-Nilou Lab
Classification: Likely benign for Acute febrile neutrophilic dermatosis. Last evaluated: 2023-02-08. Review status: criteria provided, single submitter. Criteria: ACMG Guidelines, 2015. Collection method: clinical testing. Allele origin: germline.

Labcorp Genetics (formerly Invitae), Labcorp
Classification: Uncertain significance for Familial Mediterranean fever. Last evaluated: 2021-08-31. Review status: criteria provided, single submitter. Criteria: Invitae Variant Classification Sherloc (09022015). Collection method: clinical testing. Allele origin: germline.
Comment: This sequence change replaces proline with serine at codon 342 of the MEFV protein (p.Pro342Ser). The proline residue is moderately conserved and there is a moderate physicochemical difference between proline and serine. This variant is not present in population databases (ExAC no frequency). This variant has not been reported in the literature in individuals affected with MEFV-related conditions. Algorithms developed to predict the effect of missense changes on protein structure and function output the following: SIFT: "Tolerated"; PolyPhen-2: "Benign"; Align-GVGD: "Class C0". The serine amino acid residue is found in multiple mammalian species, which suggests that this missense change does not adversely affect protein function. In summary, the available evidence is currently insufficient to determine the role of this variant in disease. Therefore, it has been classified as a Variant of Uncertain Significance.

GeneDx
Classification: Uncertain significance. Last evaluated: 2021-05-12. Review status: criteria provided, single submitter. Criteria: GeneDx Variant Classification Process June 2021. Collection method: clinical testing. Allele origin: germline. Affected: yes.
Comment: Not observed at significant frequency in large population cohorts (Lek et al., 2016); In silico analysis supports that this missense variant does not alter protein structure/function; Has not been previously published as pathogenic or benign to our knowledge

NM_000243.3(MEFV):c.1024C>T (p.Pro342Ser)

Gene: MEFV (MEFV innate immunity regulator, pyrin; minus strand). Cytogenetic location: 16p13.3.
Variant type: single nucleotide variant.
Coding change: c.1024C>T on transcript NM_000243.3 (MANE Select); coding-DNA position 1024, C replaced by T.
Protein change: p.Pro342Ser; replaces proline 342 with serine.
Molecular consequence: missense variant.
Genome position (GRCh38, 1-based): chr16:3,249,667, G>A on the plus strand (C>T on the coding strand, the complement: MEFV is on the minus strand). VCF-style: chr16-3249667-G-A. GRCh37 (hg19) VCF-style: chr16-3299667-G-A.
Other names: c.391C>T, p.Pro131Ser (NM_001198536.2); short protein forms P131S, P342S.
Identifiers: ClinVar variation 1321575 (VCV001321575.7), dbSNP rs774397209, ClinGen allele CA276898954.